The following is an entry in ClinVar:

ClinVar aggregate classification (germline): Pathogenic/Likely pathogenic. Review status: criteria provided, multiple submitters, no conflicts (2 of 4 stars). 2 submissions from 2 submitters: Pathogenic (1); Likely pathogenic (1). Last evaluated 2026-03-28.

Conditions:
COL2A1-related disorder. Also called: COL2A1-related condition; COL2A1-related disorders.

Submissions (2):

GeneDx
Classification: Pathogenic. Last evaluated: 2026-03-28. Review status: criteria provided, single submitter. Criteria: GeneDx Variant Classification Process June 2021. Collection method: clinical testing. Allele origin: germline.
Comment: Reported in a child with short stature, cleft palate, and skeletal abnormalities (PMID: 35250876); Occurs in the triple helical domain and replaces a glycine in a canonical Gly-X-Y repeat; missense substitution of a canonical glycine residue is expected to disrupt normal protein folding and function, and this is an established mechanism of disease (PMID: 34007986); Not observed at significant frequency in large population cohorts (gnomAD); In silico analysis supports that this missense variant has a deleterious effect on protein structure/function; This variant is associated with the following publications: (PMID: 35250876, 34007986)

3billion
Classification: Likely pathogenic for COL2A1-related disorder. Last evaluated: 2025-12-18. Review status: criteria provided, single submitter. Criteria: ACMG Guidelines, 2015. Collection method: clinical testing. Allele origin: germline. Affected: yes.
Comment: The variant is not observed in the gnomAD v4.1.0 dataset. Predicted Consequence/Location: The variant is located in a mutational hot spot and/or well-established functional domain in which established pathogenic variants have been reported (PMID: 26626311). In silico tool predictions suggest damaging effect of the variant on gene or gene product [REVEL: 0.98 (>=0.6, sensitivity 0.68 and specificity 0.92); 3Cnet: 0.99 (> 0.75, sensitivity 0.96 and precision 0.92)]. The same nucleotide change resulting in the same amino acid change has been previously reported to be associated with COL2A1-related disorder (PMID: 35250876). Therefore, this variant is classified as Likely pathogenic according to the recommendation of ACMG/AMP guideline.

Literature cited by the submitters: PubMed 35250876 (cited by 3billion).

NM_001844.5(COL2A1):c.1160G>A (p.Gly387Asp)

Gene: COL2A1 (collagen type II alpha 1 chain; minus strand). Cytogenetic location: 12q13.11.
Variant type: single nucleotide variant.
Coding change: c.1160G>A on transcript NM_001844.5 (MANE Select); coding-DNA position 1160, G replaced by A.
Protein change: p.Gly387Asp; replaces glycine 387 with aspartic acid.
Molecular consequence: missense variant.
Genome position (GRCh38, 1-based): chr12:47,987,672, C>T on the plus strand (G>A on the coding strand, the complement: COL2A1 is on the minus strand). VCF-style: chr12-47987672-C-T. GRCh37 (hg19) VCF-style: chr12-48381455-C-T.
Other names: c.953G>A, p.Gly318Asp (NM_033150.3); c.1160G>A (NM_001844.4); short protein forms G318D, G387D.
Identifiers: ClinVar variation 4854257 (VCV004854257.2).